The following is an entry in ClinVar:

ClinVar aggregate classification (germline): Uncertain significance (1 of 4 stars; one submission).

Conditions:
Familial hemophagocytic lymphohistiocytosis 5. Also called: STXBP2-Related Familial Hemophagocytic Lymphohistiocytosis (STXBP2-fHLH). Identifiers: Orphanet 540, MedGen C2751293, MONDO:0013135, OMIM 613101.

Submission:

Labcorp Genetics (formerly Invitae), Labcorp
Classification: Uncertain significance for Familial hemophagocytic lymphohistiocytosis 5. Last evaluated: 2024-02-16. Review status: criteria provided, single submitter. Criteria: Invitae Variant Classification Sherloc (09022015). Collection method: clinical testing. Allele origin: germline.
Comment: This sequence change replaces leucine, which is neutral and non-polar, with valine, which is neutral and non-polar, at codon 425 of the STXBP2 protein (p.Leu425Val). This variant is not present in population databases (gnomAD no frequency). This variant has not been reported in the literature in individuals affected with STXBP2-related conditions. ClinVar contains an entry for this variant (Variation ID: 1359048). Advanced modeling of protein sequence and biophysical properties (such as structural, functional, and spatial information, amino acid conservation, physicochemical variation, residue mobility, and thermodynamic stability) performed at Invitae indicates that this missense variant is not expected to disrupt STXBP2 protein function with a negative predictive value of 80%. In summary, the available evidence is currently insufficient to determine the role of this variant in disease. Therefore, it has been classified as a Variant of Uncertain Significance.

NM_006949.4(STXBP2):c.1273C>G (p.Leu425Val)

Gene: STXBP2 (syntaxin binding protein 2; plus strand). Cytogenetic location: 19p13.2.
Variant type: single nucleotide variant.
Coding change: c.1273C>G on transcript NM_006949.4 (MANE Select); coding-DNA position 1273, C replaced by G.
Protein change: p.Leu425Val; replaces leucine 425 with valine.
Molecular consequence: missense variant. On other transcripts: non-coding transcript variant (1).
Genome position (GRCh38, 1-based): chr19:7,645,223, C>G. VCF-style: chr19-7645223-C-G. GRCh37 (hg19) VCF-style: chr19-7710109-C-G.
Other names: c.1264C>G, p.Leu422Val (NM_001127396.3); c.1306C>G, p.Leu436Val (NM_001272034.2); short protein forms L436V, L422V, L425V.
Identifiers: ClinVar variation 1359048 (VCV001359048.8), dbSNP rs766203399, ClinGen allele CA403161335.